The following is an entry in ClinVar:

NM_001276345.2(TNNT2):c.164-3del

Gene: TNNT2 (troponin T2, cardiac type; minus strand). Cytogenetic location: 1q32.1.
Variant type: Deletion.
Coding change: c.164-3del on transcript NM_001276345.2 (MANE Select); 3 bases into the intron before coding-DNA position 164, one base deleted (T; older notation c.164-3delT).
Molecular consequence: intron variant.
Genome position (GRCh38, 1-based): chr1:201,367,809, A deleted on the plus strand (T on the coding strand, the reverse complement: TNNT2 is on the minus strand); the first of 3 consecutive A bases (chr1:201,367,809-201,367,811); deleting any one gives the same sequence. VCF-style (leftmost placement, unchanged base first): chr1-201367808-TA-T. GRCh37 (hg19) VCF-style: chr1-201336936-TA-T.
Other names: c.134-3del (NM_001406727.1, NM_001406724.1, NM_001001431.3 and 3 more transcripts); c.119-3del (NM_001001432.3, NM_001406728.1); c.134-6del (NM_001406725.1); c.164-6del (NM_001276346.2); c.164-3del (NM_000364.4, NM_001406723.1).
Identifiers: ClinVar variation 3071246 (VCV003071246.1), dbSNP rs748530012, ClinGen allele CA088894.

ClinVar aggregate classification (germline): Uncertain significance (1 of 4 stars; one submission).

Conditions:
Cardiomyopathy (CMYO). Also called: Cardiomyopathies. Identifiers: Orphanet 167848, MedGen C0878544, MONDO:0004994, HP:0001638. Inheritance: Various modes of inheritance.

Submission:

All of Us Research Program, National Institutes of Health
Classification: Uncertain significance for Cardiomyopathy. Last evaluated: 2023-05-16. Review status: criteria provided, single submitter. Criteria: ACMG Guidelines, 2015. Collection method: clinical testing. Allele origin: germline. Inheritance: Autosomal dominant inheritance. Observed: 1 variant allele, 1 heterozygote.
Comment: This variant causes deletion of 1 nucleotide in intron 5 of the TNNT2 gene. To our knowledge, functional studies have not been reported for this variant. This variant has not been reported in individuals affected with TNNT2-related disorders in the literature. This variant has been identified in 1/251478 chromosomes in the general population by the Genome Aggregation Database (gnomAD). The available evidence is insufficient to determine the role of this variant in disease conclusively. Therefore, this variant is classified as a Variant of Uncertain Significance.

This study involves interpretation of variants in research participants for the purpose of population health screening. Participant phenotype was not available at the time of variant classification. Additional details can be found in publication PMID: 35346344, PMCID: PMC8962531